The following is an entry in ClinVar:

NC_000017.10:g.(?_78071024)_(78073594_?)dup

Genes: MIR1268B (microRNA 1268b; plus strand), CCDC40 (coiled-coil domain 40 molecular ruler complex subunit; plus strand). Cytogenetic location: 17q25.3.
Variant type: Duplication.
Identifiers: ClinVar variation 525585 (VCV000525585.3).

ClinVar aggregate classification (germline): Uncertain significance (1 of 4 stars; one submission).

Conditions:
Primary ciliary dyskinesia. Also called: Ciliary dyskinesia. Identifiers: Orphanet 244, MedGen C0008780, MONDO:0016575, HP:0012265.

Submission:

Labcorp Genetics (formerly Invitae), Labcorp
Classification: Uncertain significance for Primary ciliary dyskinesia. Last evaluated: 2019-10-21. Review status: criteria provided, single submitter. Criteria: Invitae Variant Classification Sherloc (09022015). Collection method: clinical testing. Allele origin: germline.
Comment: This variant is a gross duplication of the genomic region encompassing exons 19-20 of the CCDC40 gene. The 5' boundary is likely confined to intron 18. The 3' end of this event is unknown as it extends beyond the assayed region for this gene and therefore may encompass additional genes. The exact location of this variant in the genome is unknown. This particular copy number variant has not been reported in the literature in individuals with a CCDC40-related disease In summary, the exact genomic location of this variant is unknown and the impact of this duplication on CCDC40 protein function has not been established. Therefore, it has been classified as a Variant of Uncertain Significance.